The following is an entry in ClinVar:

NM_015164.4(PLEKHM2):c.1760+1G>C

Gene: PLEKHM2 (pleckstrin homology and RUN domain containing M2; plus strand). Cytogenetic location: 1p36.21.
Variant type: single nucleotide variant.
Coding change: c.1760+1G>C on transcript NM_015164.4 (MANE Select); the canonical splice donor site of the intron after coding-DNA position 1760, G replaced by C.
Molecular consequence: splice donor variant.
Genome position (GRCh38, 1-based): chr1:15,727,833, G>C. VCF-style: chr1-15727833-G-C. GRCh37 (hg19) VCF-style: chr1-16054328-G-C.
Other names: c.1700+1G>C (NM_001410755.1).
Identifiers: ClinVar variation 1353653 (VCV001353653.8), dbSNP rs112106313, ClinGen allele CA18300383.

ClinVar aggregate classification (germline): Uncertain significance (1 of 4 stars; one submission).

Submission:

Labcorp Genetics (formerly Invitae), Labcorp
Classification: Uncertain significance. Last evaluated: 2021-01-08. Review status: criteria provided, single submitter. Criteria: Invitae Variant Classification Sherloc (09022015). Collection method: clinical testing. Allele origin: germline.
Comment: This sequence change affects a donor splice site in intron 9 of the PLEKHM2 gene. It is expected to disrupt RNA splicing. Variants that disrupt the donor or acceptor splice site typically lead to a loss of protein function (PMID: 16199547), however the current clinical and genetic evidence is not sufficient to establish whether loss-of-function variants in PLEKHM2 cause disease. The frequency data for this variant in the population databases is considered unreliable, as metrics indicate insufficient coverage at this position in the ExAC database. This variant has not been reported in the literature in individuals with PLEKHM2-related conditions. Algorithms developed to predict the effect of sequence changes on RNA splicing suggest that this variant may disrupt the consensus splice site, but this prediction has not been confirmed by published transcriptional studies. In summary, the available evidence is currently insufficient to determine the role of this variant in disease. Therefore, it has been classified as a Variant of Uncertain Significance.

Literature cited by the submitters: PubMed 16199547.